The following is an entry in ClinVar:

ClinVar aggregate classification (germline): Pathogenic. Review status: criteria provided, single submitter (1 of 4 stars). 3 submissions from 3 submitters: Pathogenic (1). 2 of the submissions do not count toward it. Last evaluated 2019-09-18.

Conditions:
Short rib-polydactyly syndrome. Identifiers: Orphanet 1505, MedGen C0036996, MONDO:0015461.
Short-rib thoracic dysplasia 18 with polydactyly. Identifiers: MedGen C4693420, MONDO:0036483, OMIM 617866.

Allele frequency attached by ClinVar (database versions not stated): TOPMed below 0.00001; gnomAD 0.00001.

Submissions (3):

Labcorp Genetics (formerly Invitae), Labcorp
Classification: Pathogenic. Last evaluated: 2019-09-18. Review status: criteria provided, single submitter. Criteria: Invitae Variant Classification Sherloc (09022015). Collection method: clinical testing. Allele origin: germline.
Comment: Disruption of the initiator codon has been observed to segregate with short rib polydactyly syndrome and cranioectodermal dysplasia in families (PMID: 28400947, 21378380). ClinVar contains an entry for this variant (Variation ID: 488649). This variant is not present in population databases (ExAC no frequency). This sequence change affects the initiator methionine of the IFT43 mRNA. The next in-frame methionine is located at codon 22. For these reasons, this variant has been classified as Pathogenic.

OMIM
Classification: Pathogenic for SHORT-RIB THORACIC DYSPLASIA 18 WITH POLYDACTYLY. Last evaluated: 2018-02-05. Review status: no assertion criteria provided. Collection method: literature only. Allele origin: germline. Not counted in ClinVar's aggregate classification.

University of Washington Center for Mendelian Genomics, University of Washington
Classification: Likely pathogenic for Short Rib Polydactyly Syndrome. Last evaluated: 2017-03-30. Review status: no assertion criteria provided. Collection method: research. Allele origin: unknown. Affected: yes. Observed: 2 homozygotes. Not counted in ClinVar's aggregate classification.

Literature cited by the submitters: PubMed 28400947 (cited by 3 submitters); PubMed 21378380 (cited by Labcorp Genetics (formerly Invitae), Labcorp).

NM_001102564.3(IFT43):c.2T>A (p.Met1Lys)

Gene: IFT43 (intraflagellar transport 43; plus strand). Cytogenetic location: 14q24.3.
Variant type: single nucleotide variant.
Coding change: c.2T>A on transcript NM_001102564.3 (MANE Select); coding-DNA position 2, T replaced by A.
Protein change: p.Met1Lys; changes the start codon (methionine 1).
Molecular consequence: missense variant, initiator codon variant. On other transcripts: non-coding transcript variant (2).
Genome position (GRCh38, 1-based): chr14:75,985,788, T>A. VCF-style: chr14-75985788-T-A. GRCh37 (hg19) VCF-style: chr14-76452131-T-A.
Other names: c.2T>A, p.Met1Lys (NM_001255995.3, NM_052873.3); short protein forms M1K.
Identifiers: ClinVar variation 488649 (VCV000488649.11), dbSNP rs769724508, ClinGen allele CA390472786.